The following is an entry in ClinVar:

ClinVar aggregate classification (germline): Uncertain significance (1 of 4 stars; one submission).

Conditions:
Congenital myasthenic syndrome 5. Identifiers: Orphanet 590, MedGen C1864233, MONDO:0011281, OMIM 603034.

Allele frequency attached by ClinVar (database versions not stated): gnomAD exomes below 0.00001.
gnomAD v4.1: 1 of 1,614,080 alleles (0.000062%); highest among the groups gnomAD compares: Non-Finnish European, 0.000085%; no homozygotes.

Submission:

Labcorp Genetics (formerly Invitae), Labcorp
Classification: Uncertain significance for Congenital myasthenic syndrome 5. Last evaluated: 2022-03-03. Review status: criteria provided, single submitter. Criteria: Invitae Variant Classification Sherloc (09022015). Collection method: clinical testing. Allele origin: germline.
Comment: This sequence change replaces asparagine, which is neutral and polar, with lysine, which is basic and polar, at codon 301 of the COLQ protein (p.Asn301Lys). This variant is not present in population databases (gnomAD no frequency). This variant has not been reported in the literature in individuals affected with COLQ-related conditions. ClinVar contains an entry for this variant (Variation ID: 960368). Algorithms developed to predict the effect of missense changes on protein structure and function are either unavailable or do not agree on the potential impact of this missense change (SIFT: "Deleterious"; PolyPhen-2: "Not Available"; Align-GVGD: "Class C0"). In summary, the available evidence is currently insufficient to determine the role of this variant in disease. Therefore, it has been classified as a Variant of Uncertain Significance.

NM_005677.4(COLQ):c.903C>A (p.Asn301Lys)

Gene: COLQ (collagen like tail subunit of asymmetric acetylcholinesterase; minus strand). Cytogenetic location: 3p25.1.
Variant type: single nucleotide variant.
Coding change: c.903C>A on transcript NM_005677.4 (MANE Select); coding-DNA position 903, C replaced by A.
Protein change: p.Asn301Lys; replaces asparagine 301 with lysine.
Molecular consequence: missense variant.
Genome position (GRCh38, 1-based): chr3:15,458,237, G>T on the plus strand (C>A on the coding strand, the complement: COLQ is on the minus strand). VCF-style: chr3-15458237-G-T. GRCh37 (hg19) VCF-style: chr3-15499744-G-T.
Other names: c.873C>A, p.Asn291Lys (NM_080538.2); c.801C>A, p.Asn267Lys (NM_080539.4); short protein forms N267K, N291K, N301K.
Identifiers: ClinVar variation 960368 (VCV000960368.9), dbSNP rs1055184620, ClinGen allele CA70603047.